The following is an entry in ClinVar:

NM_004752.4(GCM2):c.115C>T (p.Arg39Ter)

Gene: GCM2 (glial cells missing transcription factor 2; minus strand). Cytogenetic location: 6p24.2.
Variant type: single nucleotide variant.
Coding change: c.115C>T on transcript NM_004752.4 (MANE Select); coding-DNA position 115, C replaced by T.
Protein change: p.Arg39Ter; replaces arginine 39 with a stop codon.
Molecular consequence: nonsense.
Genome position (GRCh38, 1-based): chr6:10,877,368, G>A on the plus strand (C>T on the coding strand, the complement: GCM2 is on the minus strand). VCF-style: chr6-10877368-G-A. GRCh37 (hg19) VCF-style: chr6-10877601-G-A.
Other names: c.115C>T (NM_004752.3); short protein forms R39*.
Identifiers: ClinVar variation 3359776 (VCV003359776.1), dbSNP rs780323819.

ClinVar aggregate classification (germline): Likely pathogenic (1 of 4 stars; one submission).

Submission:

GeneDx
Classification: Likely pathogenic. Last evaluated: 2024-04-05. Review status: criteria provided, single submitter. Criteria: GeneDx Variant Classification Process June 2021. Collection method: clinical testing. Allele origin: germline. Affected: yes.
Comment: Nonsense variant predicted to result in protein truncation or nonsense mediated decay in a gene for which loss of function is a known mechanism of disease; This variant is associated with the following publications: (PMID: 25525159, 27745835, 20190276)